The following is an entry in ClinVar:

NC_000016.9:g.(?_89877095)_(89883024_?)del

Gene: FANCA (FA complementation group A; minus strand). Cytogenetic location: 16q24.3.
Variant type: Deletion.
Identifiers: ClinVar variation 3243237 (VCV003243237.1).

ClinVar aggregate classification (germline): Pathogenic (1 of 4 stars; one submission).

Conditions:
Fanconi anemia (FA). Also called: Fanconi's anemia. Identifiers: Orphanet 84, MedGen C0015625, MeSH D005199, MONDO:0019391.

Submission:

Labcorp Genetics (formerly Invitae), Labcorp
Classification: Pathogenic for Fanconi anemia. Last evaluated: 2023-12-14. Review status: criteria provided, single submitter. Criteria: Invitae Variant Classification Sherloc (09022015). Collection method: clinical testing. Allele origin: unknown.
Comment: This variant is a gross deletion of the genomic region encompassing exon(s) 1-5 of the FANCA gene, which includes the initiator codon. This deletion extends beyond the assayed region for this gene and therefore may encompass additional genes. It is expected to result in an absent or disrupted protein product. Loss-of-function variants in FANCA are known to be pathogenic (PMID: 19367192). A similar copy number variant has been observed in individuals with Fanconi anemia (PMID: 10521298, 23898106, 24584348). It has also been observed to segregate with disease in related individuals. For these reasons, this variant has been classified as Pathogenic.

Literature cited by the submitters: PubMed 19367192; PubMed 10521298; PubMed 23898106; PubMed 24584348.